The following continues an entry in ClinVar:

NM_000535.7(PMS2):c.1687C>T (p.Arg563Ter)

Gene: PMS2. ClinVar aggregate classification (germline): Pathogenic. Pathogenic (16).

Submissions 9 to 19 of 19:

All of Us Research Program, National Institutes of Health
Classification: Pathogenic for Lynch syndrome. Last evaluated: 2024-03-28. Review status: criteria provided, single submitter. Criteria: ACMG Guidelines, 2015. Collection method: clinical testing. Allele origin: germline. Inheritance: Autosomal dominant inheritance. Observed: 3 variant alleles, 3 heterozygotes.
Comment: The c.1687C>T variant in the PMS2 gene is located on the exon 11 and introduces a premature translation termination codon (p.Arg563*), resulting in an absent or disrupted protein product. This variant has been reported in multiple individuals with Lynch syndrome; colorectal cancer (PMID: 31992580, 31650731, 28514183, 29345684); breast cancer, and endometrial cancer (PMID: 29345684, 31650731, 34994648). This variant has also been reported in compound heterozygosity in an individual with constitutional mismatch repair deficiency syndrome (PMID: 22608206). Loss-of-function variants in PMS2 gene are known to be pathogenic (PMID: 28514183, 25512458, 35223509). The variant is reported in ClinVar (ID: 135067). The variant is rare in general population database according to gnomAD (2/251330 chromosomes). Therefore, the c.1687C>T (p.Arg563*) variant in PMS2 gene has been classified as pathogenic.

This study involves interpretation of variants in research participants for the purpose of population health screening. Participant phenotype was not available at the time of variant classification. Additional details can be found in publication PMID: 35346344, PMCID: PMC8962531

Baylor Genetics
Classification: Pathogenic for Lynch syndrome 4. Last evaluated: 2024-02-13. Review status: criteria provided, single submitter. Criteria: ACMG Guidelines, 2015. Collection method: clinical testing. Allele origin: unknown.

Fulgent Genetics
Classification: Pathogenic for Lynch syndrome 4; Mismatch repair cancer syndrome 4. Last evaluated: 2024-01-29. Review status: criteria provided, single submitter. Criteria: ACMG Guidelines, 2015. Collection method: clinical testing. Allele origin: germline.

Myriad Genetics, Inc.
Classification: Pathogenic for Lynch syndrome 4. Last evaluated: 2023-09-20. Review status: criteria provided, single submitter. Criteria: Myriad Autosomal Dominant, Autosomal Recessive and X-Linked Classification Criteria (2023). Collection method: clinical testing. Allele origin: unknown.
Comment: This variant is considered pathogenic. This variant creates a termination codon and is predicted to result in premature protein truncation.

Women's Health and Genetics/Laboratory Corporation of America, LabCorp
Classification: Pathogenic for Hereditary nonpolyposis colon cancer. Last evaluated: 2023-02-27. Review status: criteria provided, single submitter. Criteria: LabCorp Variant Classification Summary - May 2015. Collection method: clinical testing. Allele origin: germline.
Comment: Variant summary: PMS2 c.1687C>T (p.Arg563X) results in a premature termination codon, predicted to cause a truncation of the encoded protein or absence of the protein due to nonsense mediated decay, which are commonly known mechanisms for disease. Truncations downstream of this position have been classified as pathogenic by our laboratory. The variant allele was found at a frequency of 8e-06 in 251330 control chromosomes (gnomAD). c.1687C>T has been reported in the literature in multiple individuals affected with colorectal cancer, and phenotypes consistent with autosomal recessive constitutional mismatch repair deficiency (CMMR-D) syndrome (example: Vaughn_2010, Vasovcak_2012, Goodenberger_2015, and Wang_2020). Eight clinical diagnostic laboratories have submitted clinical-significance assessments for this variant to ClinVar after 2014 and all classified the variant as pathogenic. Based on the evidence outlined above, the variant was classified as pathogenic.

MGZ Medical Genetics Center
Classification: Pathogenic for Lynch syndrome 4. Last evaluated: 2021-10-08. Review status: criteria provided, single submitter. Criteria: ACMG Guidelines, 2015. Collection method: clinical testing. Allele origin: germline. Affected: yes. Observed: 2 variant alleles.
Comment: ACMG criteria applied: PVS1, PS4_MOD, PM3, PM2_SUP

Sema4
Classification: Pathogenic for Hereditary cancer-predisposing syndrome. Last evaluated: 2021-03-01. Review status: criteria provided, single submitter. Criteria: Sema4 Curation Guidelines. Collection method: curation. Allele origin: germline.
Comment: The PMS2 c.1687C>T p.R563* variant has been reported in heterozygosity in at least 1 individual with colorectal cancer (PMID: 25856668). In addition, it has been reported as homozygous or compound heterozygous in individuals with tumor types, consistent with constitutional mismatch repair deficiency (CMMR-D) syndrome (PMID: 20205264, 22608206). This nonsense variant creates a premature stop codon at residue 563 of the PMS2 protein. Loss of PMS2 function is a known mechanism of disease. This variant was observed in 2/16190 chromosomes in the African/African American population, according to the Genome Aggregation Database (PMID: 32461654). Based on the current evidence available, this variant is interpreted as pathogenic.

GeneDx
Classification: Pathogenic. Last evaluated: 2021-01-27. Review status: criteria provided, single submitter. Criteria: GeneDx Variant Classification Process June 2021. Collection method: clinical testing. Allele origin: germline. Affected: yes.
Comment: Nonsense variant predicted to result in protein truncation or nonsense mediated decay in a gene for which loss-of-function is a known mechanism of disease; Observed in individuals with a personal or family history consistent with pathogenic variants in this gene and in a child with personal history suspicious for CMMR-D without a second identifiable PMS2 pathogenic variant (Vaughn 2010, Goodenberger 2016, AlDubayan 2018, Wang 2020); Observed with a pathogenic variant on the opposite allele (in trans) and in the apparent homozygous state in individuals with personal histories consistent with Constitutional Mismatch Repair Deficiency in the published literature (Vasovcak 2012, Ortiz 2016); Truncating variants in this gene are considered pathogenic by a well-established clinical consortium and/or database; This variant is associated with the following publications: (PMID: 28502729, 29625052, 26689913, 24728327, 25525159, 20205264, 26648449, 27742654, 28281021, 29478780, 30217226, 25856668, 27082517, 22608206, 31992580, 31512090, 31650731, 31857677, 30787465)

PreventionGenetics, part of Exact Sciences
Classification: Pathogenic for PMS2-related condition. Last evaluated: 2024-09-17. Review status: no assertion criteria provided. Collection method: clinical testing. Allele origin: germline. Not counted in ClinVar's aggregate classification.
Comment: The PMS2 c.1687C>T variant is predicted to result in premature protein termination (p.Arg563*). This variant has previously been reported to be causative for colorectal cancer, male breast cancer, constitutional mismatch repair deficiency syndrome and Lynch syndrome (Table S6, AlDubayan et al. 2018. PubMed ID: 29478780; Scarpitta et al. 2019. PubMed ID: 31512090; Vaughn et al. 2010. PubMed ID: 20205264; Vasovcak et al. 2012. PubMed ID: 22608206; Wang et al. 2020. PubMed ID: 31992580; Table S1, Goodenberger et al. 2016. PubMed ID: 25856668). This variant is reported in 0.012% of alleles in individuals of African descent in gnomAD and is interpreted as pathogenic in ClinVar. Nonsense variants in PMS2 are expected to be pathogenic. This variant is interpreted as pathogenic.

ITMI
No classification provided. Condition: AllHighlyPenetrant. Last evaluated: 2013-09-19. Review status: no classification provided. Collection method: reference population. Allele origin: germline. Not counted in ClinVar's aggregate classification.
Comment: Please see associated publication for description of ethnicities

Department of Pathology and Laboratory Medicine, Sinai Health System
Classification: Pathogenic for Carcinoma of colon. Review status: no assertion criteria provided. Collection method: clinical testing. Allele origin: unknown. Affected: yes. Study: The Canadian Open Genetics Repository (COGR). Not counted in ClinVar's aggregate classification.
Comment: The PMS2 p.Arg563X variant was identified in 5 of 818 proband chromosomes (frequency: 0.006) from individuals or families with Lynch Syndrome, colorectal cancer, endometrial cancer, and biallelic mismatch repair deficiency (Goodenberger 2016, Haraldsdottir 2014, Jansen 2016, Vaughn 2010, Vasovcak 2012). The variant was also identified in the following databases: dbSNP (ID: rs587778618) as "With Pathogenic, Uncertain significance allele", ClinVar (3x, pathogenic), Clinvitae (2x, pathogenic), and Cosmic (3x, confirmed somatic, in carcinomas of the skin and lung). The variant was not identified in MutDB, Insight Colon Cancer Gene Variant Database, Zhejiang Colon Cancer Database, Mismatch Repair Genes Variant Database, or Insight Hereditary Tumors Database. The variant was identified in control databases in 2 of 246126 chromosomes at a frequency of 0.000008 (Genome Aggregation Database Feb 27, 2017). Breakdown of the observations by population include African in 2 of 15246 chromosomes (freq: 0.0001). The variant was not observed in the other, Latino, European, Ashkenazi Jewish, East Asian, Finnish, or South Asian populations. The c.1687C>T variant leads to a premature stop codon at position 563, which is predicted to lead to a truncated or absent protein and loss of function. Loss of function variants of the PMS2 gene are an established mechanism of disease and is the type of variant expected to cause the disorder. In summary, based on the above information this variant meets our laboratoryâ€šÃ„Ã´s criteria to be classified as pathogenic.

Literature cited by the submitters: PubMed 21376568 (cited by Labcorp Genetics (formerly Invitae), Labcorp); PubMed 24362816 (cited by Labcorp Genetics (formerly Invitae), Labcorp); PubMed 20205264 (cited by 5 submitters); PubMed 22608206 (cited by 7 submitters); PubMed 25856668 (cited by 6 submitters); PubMed 21618646 (cited by 3 submitters); PubMed 27082517 (cited by Ambry Genetics); PubMed 31992580 (cited by 5 submitters); PubMed 37839795 (cited by Quest Diagnostics Nichols Institute San Juan Capistrano); PubMed 34994648 (cited by Quest Diagnostics Nichols Institute San Juan Capistrano and All of Us Research Program, National Institutes of Health); PubMed 29478780 (cited by Quest Diagnostics Nichols Institute San Juan Capistrano and Color Diagnostics, LLC DBA Color Health); PubMed 31857677 (cited by Quest Diagnostics Nichols Institute San Juan Capistrano and Color Diagnostics, LLC DBA Color Health); PubMed 31512090 (cited by Quest Diagnostics Nichols Institute San Juan Capistrano); PubMed 31650731 (cited by Quest Diagnostics Nichols Institute San Juan Capistrano and All of Us Research Program, National Institutes of Health); PubMed 28502729 (cited by Quest Diagnostics Nichols Institute San Juan Capistrano); PubMed 30103829 (cited by Quest Diagnostics Nichols Institute San Juan Capistrano); PubMed 31336956 (cited by Quest Diagnostics Nichols Institute San Juan Capistrano); PubMed 27376475 (cited by Quest Diagnostics Nichols Institute San Juan Capistrano); PubMed 24728327 (cited by Quest Diagnostics Nichols Institute San Juan Capistrano and ITMI); PubMed 25194673 (cited by Quest Diagnostics Nichols Institute San Juan Capistrano); PubMed 25512458 (cited by All of Us Research Program, National Institutes of Health); PubMed 28514183 (cited by All of Us Research Program, National Institutes of Health); PubMed 29345684 (cited by All of Us Research Program, National Institutes of Health); PubMed 35223509 (cited by All of Us Research Program, National Institutes of Health).